The following is an entry in ClinVar:

ClinVar aggregate classification (germline): Uncertain significance (1 of 4 stars; one submission).

Submission:

Labcorp Genetics (formerly Invitae), Labcorp
Classification: Uncertain significance. Last evaluated: 2022-04-01. Review status: criteria provided, single submitter. Criteria: Invitae Variant Classification Sherloc (09022015). Collection method: clinical testing. Allele origin: germline.
Comment: This sequence change falls in intron 1 of the MCM3AP gene. It does not directly change the encoded amino acid sequence of the MCM3AP protein. In summary, the available evidence is currently insufficient to determine the role of this variant in disease. Therefore, it has been classified as a Variant of Uncertain Significance. Experimental studies and prediction algorithms are not available or were not evaluated, and the effect of this variant on mRNA splicing is currently unknown. This variant has not been reported in the literature in individuals affected with MCM3AP-related conditions. Information on the frequency of this variant in the gnomAD database is not available, as this variant may be reported differently in the database.

NM_003906.5(MCM3AP):c.1220-13_1220-12delinsAT

Gene: MCM3AP (minichromosome maintenance complex component 3 associated protein; minus strand). Cytogenetic location: 21q22.3.
Variant type: Indel.
Coding change: c.1220-13_1220-12delinsAT on transcript NM_003906.5 (MANE Select); 13 bases into the intron before coding-DNA position 1220 through 12 bases into the intron before coding-DNA position 1220, TC replaced by AT.
Molecular consequence: intron variant.
Genome position (GRCh38, 1-based): chr21:46,283,850-46,283,851, GA replaced by AT on the plus strand (TC replaced by AT on the coding strand, the reverse complement: MCM3AP is on the minus strand). VCF-style: chr21-46283850-GA-AT. GRCh37 (hg19) VCF-style: chr21-47703764-GA-AT.
Identifiers: ClinVar variation 2120610 (VCV002120610.4), dbSNP rs2517434165, ClinGen allele CA2580098984.